The following is an entry in ClinVar:

ClinVar aggregate classification (germline): Uncertain significance (1 of 4 stars; one submission).

Conditions:
Fanconi anemia (FA). Also called: Fanconi's anemia. Identifiers: Orphanet 84, MedGen C0015625, MeSH D005199, MONDO:0019391.

Submission:

Labcorp Genetics (formerly Invitae), Labcorp
Classification: Uncertain significance for Fanconi anemia. Last evaluated: 2024-02-06. Review status: criteria provided, single submitter. Criteria: Invitae Variant Classification Sherloc (09022015). Collection method: clinical testing. Allele origin: germline.
Comment: This sequence change replaces threonine, which is neutral and polar, with isoleucine, which is neutral and non-polar, at codon 40 of the SLX4 protein (p.Thr40Ile). This variant is not present in population databases (gnomAD no frequency). This variant has not been reported in the literature in individuals affected with SLX4-related conditions. An algorithm developed to predict the effect of missense changes on protein structure and function (PolyPhen-2) suggests that this variant is likely to be tolerated. In summary, the available evidence is currently insufficient to determine the role of this variant in disease. Therefore, it has been classified as a Variant of Uncertain Significance.

NM_032444.4(SLX4):c.119C>T (p.Thr40Ile)

Gene: SLX4 (SLX4 structure-specific endonuclease subunit; minus strand). Cytogenetic location: 16p13.3.
Variant type: single nucleotide variant.
Coding change: c.119C>T on transcript NM_032444.4 (MANE Select); coding-DNA position 119, C replaced by T.
Protein change: p.Thr40Ile; replaces threonine 40 with isoleucine.
Molecular consequence: missense variant.
Genome position (GRCh38, 1-based): chr16:3,608,846, G>A on the plus strand (C>T on the coding strand, the complement: SLX4 is on the minus strand). VCF-style: chr16-3608846-G-A. GRCh37 (hg19) VCF-style: chr16-3658847-G-A.
Other names: short protein forms T40I.
Identifiers: ClinVar variation 3679835 (VCV003679835.2).